The following is an entry in ClinVar:

ClinVar aggregate classification (germline): Pathogenic. Review status: reviewed by expert panel (3 of 4 stars). 9 submissions from 9 submitters: Pathogenic (1). 8 of the submissions do not count toward it. Last evaluated 2016-09-08.

Conditions:
Hereditary breast ovarian cancer syndrome. Also called: Hereditary breast and ovarian cancer syndrome; Hereditary breast and ovarian cancer; Hereditary breast and ovarian cancer syndrome (HBOC); Breast and ovarian cancer; Hereditary breast and/or ovarian cancer syndrome; BRCA1- and BRCA2-Associated Hereditary Breast and Ovarian Cancer. Identifiers: Orphanet 145, MedGen C0677776, MeSH D061325, MONDO:0003582. Disease mechanism: loss of function.
Hereditary cancer-predisposing syndrome. Also called: Neoplastic Syndromes, Hereditary; Tumor predisposition; Hereditary neoplastic syndrome; Hereditary Cancer Syndrome. Identifiers: Orphanet 140162, MedGen C0027672, MeSH D009386, MONDO:0015356.
Breast-ovarian cancer, familial, susceptibility to, 2 (BROVCA2). Also called: BRCA2 Hereditary Breast and Ovarian Cancer. Identifiers: Orphanet 145, MedGen C2675520, MONDO:0012933, OMIM 612555. Disease mechanism: loss of function.

Submissions (9):

Evidence-based Network for the Interpretation of Germline Mutant Alleles (ENIGMA)
Classification: Pathogenic for Breast-ovarian cancer, familial, susceptibility to, 2. Last evaluated: 2016-09-08. Review status: reviewed by expert panel. Criteria: ENIGMA BRCA1/2 Classification Criteria (2015). Collection method: curation. Allele origin: germline.
Comment: Variant allele predicted to encode a truncated non-functional protein.

Labcorp Genetics (formerly Invitae), Labcorp
Classification: Pathogenic for Hereditary breast ovarian cancer syndrome. Last evaluated: 2025-09-27. Review status: criteria provided, single submitter. Criteria: Invitae Variant Classification Sherloc (09022015). Collection method: clinical testing. Allele origin: germline. Not counted in ClinVar's aggregate classification.
Comment: This sequence change creates a premature translational stop signal (p.Ser2186*) in the BRCA2 gene. It is expected to result in an absent or disrupted protein product. Loss-of-function variants in BRCA2 are known to be pathogenic (PMID: 20104584). This variant is not present in population databases (gnomAD no frequency). This premature translational stop signal has been observed in individual(s) with ovarian cancer (PMID: 17413421). This variant is also known as 6785C>A. ClinVar contains an entry for this variant (Variation ID: 52128). For these reasons, this variant has been classified as Pathogenic.

Ambry Genetics
Classification: Pathogenic for Hereditary cancer-predisposing syndrome. Last evaluated: 2025-08-04. Review status: criteria provided, single submitter. Criteria: Ambry Variant Classification Scheme 2023. Collection method: clinical testing. Allele origin: germline. Not counted in ClinVar's aggregate classification.
Comment: The p.S2186* pathogenic mutation (also known as c.6557C>A), located in coding exon 10 of the BRCA2 gene, results from a C to A substitution at nucleotide position 6557. This changes the amino acid from a serine to a stop codon within coding exon 10. This variant is considered to be rare based on population cohorts in the Genome Aggregation Database (gnomAD).This alteration is expected to result in loss of function by premature protein truncation or nonsense-mediated mRNA decay. As such, this alteration is interpreted as a disease-causing mutation.

Quest Diagnostics Nichols Institute San Juan Capistrano
Classification: Pathogenic. Last evaluated: 2025-04-22. Review status: criteria provided, single submitter. Criteria: Quest Diagnostics criteria. Collection method: clinical testing. Allele origin: unknown. Not counted in ClinVar's aggregate classification.
Comment: The BRCA2 c.6557C>A (p.Ser2186*) variant causes the premature termination of BRCA2 protein synthesis. This variant has been reported in the published literature in an individual with ovarian cancer (PMID: 17413421 (2007)). This variant has not been reported in large, multi-ethnic general populations (Genome Aggregation Database). Based on the available information, this variant is classified as pathogenic.

Women's Health and Genetics/Laboratory Corporation of America, LabCorp
Classification: Pathogenic for Hereditary breast ovarian cancer syndrome. Last evaluated: 2021-03-14. Review status: criteria provided, single submitter. Criteria: LabCorp Variant Classification Summary - May 2015. Collection method: clinical testing. Allele origin: germline. Not counted in ClinVar's aggregate classification.
Comment: Variant summary: BRCA2 c.6557C>A (p.Ser2186X) results in a premature termination codon, predicted to cause a truncation of the encoded protein or absence of the protein due to nonsense mediated decay, which are commonly known mechanisms for disease. Truncations downstream of this position have been classified as pathogenic by our laboratory. The variant was absent in 246860 control chromosomes. c.6557C>A has been reported in the literature in individuals affected with Hereditary Breast And Ovarian Cancer Syndrome (example, Rebbeck_2018). Two clinical diagnostic laboratories, an expert panel (ENIGMA) and a consortium (CIMBA) have submitted clinical-significance assessments for this variant to ClinVar after 2014. All submitters classified the variant as pathogenic. Based on the evidence outlined above, the variant was classified as pathogenic.

Color Diagnostics, LLC DBA Color Health
Classification: Pathogenic for Hereditary cancer-predisposing syndrome. Last evaluated: 2020-01-15. Review status: criteria provided, single submitter. Criteria: ACMG Guidelines, 2015. Collection method: clinical testing. Allele origin: germline. Not counted in ClinVar's aggregate classification.
Comment: This variant changes 1 nucleotide in exon 11 of the BRCA2 gene, creating a premature translation stop signal. This variant is expected to result in an absent or non-functional protein product. This variant has not been identified in the general population by the Genome Aggregation Database (gnomAD). Loss of BRCA2 function is a known mechanism of disease. Based on the available evidence, this variant is classified as Pathogenic.

Consortium of Investigators of Modifiers of BRCA1/2 (CIMBA), c/o University of Cambridge
Classification: Pathogenic for Breast-ovarian cancer, familial, susceptibility to, 2. Last evaluated: 2015-10-02. Review status: criteria provided, single submitter. Criteria: CIMBA Mutation Classification guidelines May 2016. Collection method: clinical testing. Allele origin: germline. Not counted in ClinVar's aggregate classification.

Diagnostic Laboratory, Department of Genetics, University Medical Center Groningen
Classification: Pathogenic. Review status: no assertion criteria provided. Collection method: clinical testing. Allele origin: germline. Affected: yes. Study: VKGL Data-share Consensus. Not counted in ClinVar's aggregate classification.

Joint Genome Diagnostic Labs from Nijmegen and Maastricht, Radboudumc and MUMC+
Classification: Pathogenic. Review status: no assertion criteria provided. Collection method: clinical testing. Allele origin: germline. Affected: yes. Study: VKGL Data-share Consensus. Not counted in ClinVar's aggregate classification.

Literature cited by the submitters: PubMed 20104584 (cited by Labcorp Genetics (formerly Invitae), Labcorp); PubMed 17413421 (cited by 3 submitters); PubMed 29446198 (cited by Quest Diagnostics Nichols Institute San Juan Capistrano and Women's Health and Genetics/Laboratory Corporation of America, LabCorp).

NM_000059.4(BRCA2):c.6557C>A (p.Ser2186Ter)

Gene: BRCA2 (BRCA2 DNA repair associated; plus strand). Cytogenetic location: 13q13.1.
Variant type: single nucleotide variant.
Coding change: c.6557C>A on transcript NM_000059.4 (MANE Select); coding-DNA position 6557, C replaced by A.
Protein change: p.Ser2186Ter; replaces serine 2186 with a stop codon.
Molecular consequence: nonsense.
Genome position (GRCh38, 1-based): chr13:32,340,912, C>A. VCF-style: chr13-32340912-C-A. GRCh37 (hg19) VCF-style: chr13-32915049-C-A.
Other names: short protein forms S2186*.
Identifiers: ClinVar variation 52128 (VCV000052128.21), dbSNP rs397507867, ClinGen allele CA024166.